The following is an entry in ClinVar:

ClinVar aggregate classification (germline): Benign (3 of 4 stars; one submission).

Conditions:
Breast-ovarian cancer, familial, susceptibility to, 2 (BROVCA2). Also called: BRCA2 Hereditary Breast and Ovarian Cancer. Identifiers: Orphanet 145, MedGen C2675520, MONDO:0012933, OMIM 612555. Disease mechanism: loss of function.

Allele frequency attached by ClinVar (database versions not stated): 1000 Genomes Project 30x 0.00016; gnomAD 0.00019; 1000 Genomes Project 0.00020; TOPMed 0.00023.
gnomAD v4.1: 29 of 152,324 alleles (0.019%); highest among the groups gnomAD compares: African/African-American, 0.067%; no homozygotes.

Submission:

Evidence-based Network for the Interpretation of Germline Mutant Alleles (ENIGMA)
Classification: Benign for Breast-ovarian cancer, familial 2. Last evaluated: 2015-01-12. Review status: reviewed by expert panel. Criteria: ENIGMA BRCA1/2 Classification Criteria (2015). Collection method: curation. Allele origin: germline.
Comment: Class 1 not pathogenic based on frequency >1% in an outbred sampleset. Frequency 0.01016 (African), derived from 1000 genomes (2012-04-30).

NM_000059.4(BRCA2):c.7008-1259T>C

Gene: BRCA2 (BRCA2 DNA repair associated; plus strand). Cytogenetic location: 13q13.1.
Variant type: single nucleotide variant.
Coding change: c.7008-1259T>C on transcript NM_000059.4 (MANE Select); 1259 bases into the intron before coding-DNA position 7008, T replaced by C.
Molecular consequence: intron variant.
Genome position (GRCh38, 1-based): chr13:32,353,602, T>C. VCF-style: chr13-32353602-T-C. GRCh37 (hg19) VCF-style: chr13-32927739-T-C.
Other names: IVS 13-1259T>C.
Identifiers: ClinVar variation 209750 (VCV000209750.1), dbSNP rs187377988, ClinGen allele CA276718.
Genomic context (GRCh38, chr13:32,353,602, plus strand): 5'-TGTTCCCCTTGCTCTCCTTGCTCCAGGCACACTTGTGTCTAGGCCAATCGACATATTTGT[T>C]TGTCTGTTTCCTTCCACTGAAATATACATGCAAAAACAAAATTTTGTTACCGTGTTCCCC-3'